The following is an entry in ClinVar:

ClinVar aggregate classification (germline): Uncertain significance (1 of 4 stars; one submission).

Conditions:
Hypogonadotropic hypogonadism 2 with or without anosmia (HH2). Also called: HYPOGONADOTROPIC HYPOGONADISM 2 WITHOUT ANOSMIA; HYPOGONADOTROPIC HYPOGONADISM 2 WITH OR WITHOUT ANOSMIA, SUSCEPTIBILITY TO; HYPOGONADOTROPIC HYPOGONADISM 2 WITHOUT ANOSMIA, SUSCEPTIBILITY TO; FGFR1-Related GnRH Deficiency (Kallmann Syndrome 2). Identifiers: Orphanet 478, MedGen C1563720, MONDO:0007844, OMIM 147950. Disease mechanism: loss of function.
Pfeiffer syndrome (ACS5). Also called: ACS V. Identifiers: Orphanet 710, MedGen C0220658, MONDO:0007043, OMIM 101600.

Submission:

Labcorp Genetics (formerly Invitae), Labcorp
Classification: Uncertain significance for Pfeiffer syndrome; Hypogonadotropic hypogonadism 2 with or without anosmia. Last evaluated: 2025-03-05. Review status: criteria provided, single submitter. Criteria: Invitae Variant Classification Sherloc (09022015). Collection method: clinical testing. Allele origin: germline.
Comment: This variant, c.259_264dup, results in the insertion of 2 amino acid(s) of the FGFR1 protein (p.Glu87_Val88dup), but otherwise preserves the integrity of the reading frame. This variant is not present in population databases (gnomAD no frequency). This variant has not been reported in the literature in individuals affected with FGFR1-related conditions. In summary, the available evidence is currently insufficient to determine the role of this variant in disease. Therefore, it has been classified as a Variant of Uncertain Significance.

NM_023110.3(FGFR1):c.253GAGGTG[3] (p.Val88_Gln89insGluVal)

Gene: FGFR1 (fibroblast growth factor receptor 1; minus strand). Cytogenetic location: 8p11.23.
Variant type: Microsatellite.
Coding change: c.253GAGGTG[3] on transcript NM_023110.3 (MANE Select); three copies in a row of the 6-base unit GAGGTG starting at c.253; the reference has two copies in a row; one copy, 6 bases duplicated.
Protein change: p.Val88_Gln89insGluVal.
Molecular consequence: intron variant (on NM_001354368.2).
Genome position (GRCh38, 1-based): chr8:38,429,776-38,429,781, CACCTC duplicated on the plus strand (GAGGTG on the coding strand, the reverse complement: FGFR1 is on the minus strand); duplicating any 6 consecutive bases within chr8:38,429,776-38,429,788 gives the same sequence; the position shown is the placement nearest the transcript's 3' end. VCF-style (leftmost placement, unchanged base first): chr8-38429775-G-GCACCTC. GRCh37 (hg19) VCF-style: chr8-38287293-G-GCACCTC.
Other names: c.253GAGGTG[3], p.Val88_Gln89insGluVal (NM_001174063.2, NM_001174065.2, NM_001354367.2 and 3 more transcripts); c.229GAGGTG[3], p.Val80_Gln81insGluVal (NM_001174064.2); c.352GAGGTG[3], p.Val121_Gln122insGluVal (NM_001174067.2); c.92-1352GAGGTG[3] (NM_001354368.2, NM_001354370.2, NM_023106.3 and 2 more transcripts).
Identifiers: ClinVar variation 4784362 (VCV004784362.1).